The following is an entry in ClinVar:

ClinVar aggregate classification (germline): Likely benign (1 of 4 stars; one submission).

Conditions:
ADGRG4-related disorder. Also called: ADGRG4-related condition.

gnomAD v4.1: 7 of 1,210,061 alleles (0.00058%); highest among the groups gnomAD compares: Non-Finnish European, 0.00078%; no homozygotes.

Submission:

PreventionGenetics, part of Exact Sciences
Classification: Likely benign for ADGRG4-related condition. Last evaluated: 2025-06-26. Review status: criteria provided, single submitter. Criteria: ACMG Guidelines, 2015. Collection method: clinical testing. Allele origin: germline.
Comment: This variant is classified as likely benign based on ACMG/AMP sequence variant interpretation guidelines (Richards et al. 2015 PMID: 25741868, with internal and published modifications).

NM_153834.4(ADGRG4):c.1488T>A (p.Thr496=)

Gene: ADGRG4 (adhesion G protein-coupled receptor G4; plus strand). Cytogenetic location: Xq26.3.
Variant type: single nucleotide variant.
Coding change: c.1488T>A on transcript NM_153834.4 (MANE Select); coding-DNA position 1488, T replaced by A.
Protein change: p.Thr496=; no amino-acid change (threonine 496 retained).
Molecular consequence: synonymous variant.
Genome position (GRCh38, 1-based): chrX:136,345,194, T>A. VCF-style: chrX-136345194-T-A. GRCh37 (hg19) VCF-style: chrX-135427353-T-A.
Identifiers: ClinVar variation 4979078 (VCV004979078.1).
Genomic context (GRCh38, chrX:136,345,194, plus strand): 5'-AGCTGCTCCAGTAGATTCTGTATTTCCTAGAAACCAGACAGCATTTCCATTGGCAACAAC[T>A]GATATGAAAATAGCATTTACAGTCCATTCATTGACTCTCCCAACTAGGCTTATTGAGACC-3'
Protein context (NP_722576.3, residues 486-506): RNQTAFPLAT[Thr496=]DMKIAFTVHS